The following is an entry in ClinVar:

NM_018896.5(CACNA1G):c.6400-12C>G

Gene: CACNA1G (calcium voltage-gated channel subunit alpha1 G; plus strand). Cytogenetic location: 17q21.33.
Variant type: single nucleotide variant.
Coding change: c.6400-12C>G on transcript NM_018896.5 (MANE Select); 12 bases into the intron before coding-DNA position 6400, C replaced by G.
Molecular consequence: intron variant.
Genome position (GRCh38, 1-based): chr17:50,626,005, C>G. VCF-style: chr17-50626005-C-G. GRCh37 (hg19) VCF-style: chr17-48703366-C-G.
Other names: c.6142-12C>G (NM_001256325.2); c.6367-12C>G (NM_198377.3); c.6232-12C>G (NM_198380.3); c.6088-12C>G (NM_198378.3, NM_001256334.2); c.6265-12C>G (NM_198385.3); c.6121-12C>G (NM_198384.3, NM_001256333.2); c.6100-12C>G (NM_001256327.2); c.6211-12C>G (NM_001256324.2); and 15 more.
Identifiers: ClinVar variation 1707719 (VCV001707719.2), dbSNP rs767193318, ClinGen allele CA2580094215.
Genomic context (GRCh38, chr17:50,626,005, plus strand): 5'-CCAGCTTGACAGGAGGGCTAGTCCATGCTGGAGAGGAGACTGCTGGGCTGAGCCCTCCCC[C>G]ACCCCATATAGGCAGCAATAAGGACTGACTCCTTGGACGTTCAGGGTCTGGGCAGCCGGG-3'

ClinVar aggregate classification (germline): Uncertain significance (1 of 4 stars; one submission).

gnomAD v4.1: 2 of 1,590,944 alleles (0.00013%); highest among the groups gnomAD compares: Non-Finnish European, 0.000086%; no homozygotes.

Submission:

GeneDx
Classification: Uncertain significance. Last evaluated: 2022-03-30. Review status: criteria provided, single submitter. Criteria: GeneDx Variant Classification Process June 2021. Collection method: clinical testing. Allele origin: germline. Affected: yes.
Comment: Not observed at significant frequency in large population cohorts (gnomAD); Has not been previously published as pathogenic or benign to our knowledge; In-silico analysis is inconclusive as to whether the variant alters gene splicing. In the absence of RNA/functional studies, the actual effect of this sequence change is unknown.